The following is an entry in ClinVar:

NM_213655.5(WNK1):c.2274_2275dup (p.Cys759fs)

Gene: WNK1 (WNK lysine deficient protein kinase 1; plus strand). Cytogenetic location: 12p13.33.
Variant type: Duplication.
Coding change: c.2274_2275dup on transcript NM_213655.5 (MANE Plus Clinical); coding-DNA positions 2274 to 2275, 2 bases duplicated (CT; older notation c.2274_2275dupCT).
Protein change: p.Cys759fs; shifts the reading frame from cysteine 759.
Molecular consequence: frameshift variant. On other transcripts: intron variant (3).
Genome position (GRCh38, 1-based): chr12:865,244-865,245, CT duplicated. VCF-style (leftmost placement, unchanged base first): chr12-865243-A-ACT. GRCh37 (hg19) VCF-style: chr12-974409-A-ACT.
Other names: c.2140-2622_2140-2621dup (NM_001184985.2); c.2139+2974_2139+2975dup (NM_018979.4, NM_014823.3); short protein forms C759fs.
Identifiers: ClinVar variation 1498907 (VCV001498907.6), dbSNP rs2154069230, ClinGen allele CA2573148500.

ClinVar aggregate classification (germline): Uncertain significance (1 of 4 stars; one submission).

Conditions:
Neuropathy, hereditary sensory and autonomic, type 2A (HSAN2A). Also called: ACROOSTEOLYSIS, GIACCAI TYPE; ACROOSTEOLYSIS, NEUROGENIC; MORVAN DISEASE; NEUROPATHY, CONGENITAL SENSORY; NEUROPATHY, HEREDITARY SENSORY RADICULAR, AUTOSOMAL RECESSIVE; NEUROPATHY, HEREDITARY SENSORY, TYPE IIA. Identifiers: Orphanet 970, MedGen C2752089, MONDO:0024309, OMIM 201300.
Pseudohypoaldosteronism type 2C (PHA2C). Also called: Pseudohypoaldosteronism Type IIC. Identifiers: Orphanet 757, Orphanet 88940, MedGen C1840391, MONDO:0013778, OMIM 614492.

Submission:

Labcorp Genetics (formerly Invitae), Labcorp
Classification: Uncertain significance for Neuropathy, hereditary sensory and autonomic, type 2A; Pseudohypoaldosteronism type 2C. Last evaluated: 2021-10-23. Review status: criteria provided, single submitter. Criteria: Invitae Variant Classification Sherloc (09022015). Collection method: clinical testing. Allele origin: germline.
Comment: In summary, the available evidence is currently insufficient to determine the role of this variant in disease. Therefore, it has been classified as a Variant of Uncertain Significance. This variant has not been reported in the literature in individuals affected with WNK1-related conditions. This variant is not present in population databases (gnomAD no frequency). This sequence change creates a premature translational stop signal (p.Cys759Serfs*82) in the WNK1 gene. However, it is currently unclear if variants that occur in this region of the gene cause disease.